The following is an entry in ClinVar:

ClinVar aggregate classification (germline): Uncertain significance (1 of 4 stars; one submission).

Conditions:
T-cell immunodeficiency, congenital alopecia, and nail dystrophy. Also called: Congenital alopecia and nail dystrophy associated with severe functional T-cell immunodeficiency; Pignata Guarino syndrome. Identifiers: Orphanet 169095, MedGen C1866426, MONDO:0011132, OMIM 601705.

Allele frequency attached by ClinVar (database versions not stated): gnomAD 0.00001; TOPMed 0.00001.
gnomAD v4.1: 20 of 1,613,550 alleles (0.0012%); highest among the groups gnomAD compares: Non-Finnish European, 0.0016%; no homozygotes.

Submission:

Labcorp Genetics (formerly Invitae), Labcorp
Classification: Uncertain significance for T-cell immunodeficiency, congenital alopecia, and nail dystrophy. Last evaluated: 2023-06-02. Review status: criteria provided, single submitter. Criteria: Invitae Variant Classification Sherloc (09022015). Collection method: clinical testing. Allele origin: germline.
Comment: This sequence change replaces glycine, which is neutral and non-polar, with serine, which is neutral and polar, at codon 55 of the FOXN1 protein (p.Gly55Ser). This variant is present in population databases (rs757771641, gnomAD 0.002%). This variant has not been reported in the literature in individuals affected with FOXN1-related conditions. ClinVar contains an entry for this variant (Variation ID: 934579). Advanced modeling of protein sequence and biophysical properties (such as structural, functional, and spatial information, amino acid conservation, physicochemical variation, residue mobility, and thermodynamic stability) performed at Invitae indicates that this missense variant is not expected to disrupt FOXN1 protein function. In summary, the available evidence is currently insufficient to determine the role of this variant in disease. Therefore, it has been classified as a Variant of Uncertain Significance.

NM_001369369.1(FOXN1):c.163G>A (p.Gly55Ser)

Gene: FOXN1 (forkhead box N1; plus strand). Cytogenetic location: 17q11.2.
Variant type: single nucleotide variant.
Coding change: c.163G>A on transcript NM_001369369.1 (MANE Select); coding-DNA position 163, G replaced by A.
Protein change: p.Gly55Ser; replaces glycine 55 with serine.
Molecular consequence: missense variant.
Genome position (GRCh38, 1-based): chr17:28,524,542, G>A. VCF-style: chr17-28524542-G-A. GRCh37 (hg19) VCF-style: chr17-26851560-G-A.
Other names: c.163G>A, p.Gly55Ser (NM_003593.3); short protein forms G55S.
Identifiers: ClinVar variation 934579 (VCV000934579.7), dbSNP rs757771641, ClinGen allele CA8459166.